The following is an entry in ClinVar:

NM_001374259.2(IL12RB2):c.78T>C (p.Asp26=)

Gene: IL12RB2 (interleukin 12 receptor subunit beta 2; plus strand). Cytogenetic location: 1p31.3.
Variant type: single nucleotide variant.
Coding change: c.78T>C on transcript NM_001374259.2 (MANE Select); coding-DNA position 78, T replaced by C.
Protein change: p.Asp26=; no amino-acid change (aspartic acid 26 retained).
Molecular consequence: synonymous variant. On other transcripts: non-coding transcript variant (2).
Genome position (GRCh38, 1-based): chr1:67,321,603, T>C. VCF-style: chr1-67321603-T-C. GRCh37 (hg19) VCF-style: chr1-67787286-T-C.
Other names: c.78T>C, p.Asp26= (NM_001258214.1, NM_001258215.1, NM_001258216.1 and 2 more transcripts); c.78T>C (NM_001559.2).
Identifiers: ClinVar variation 1169445 (VCV001169445.12), dbSNP rs2307147, ClinGen allele CA900108.

ClinVar aggregate classification (germline): Benign. Review status: criteria provided, multiple submitters, no conflicts (2 of 4 stars). 3 submissions from 3 submitters: Benign (2). 1 of the submissions does not count toward it. Last evaluated 2026-02-02.

Conditions:
IL12RB2-related disorder. Also called: IL12RB2-related condition.

Allele frequency attached by ClinVar (database versions not stated): gnomAD exomes 0.01567; ExAC 0.01917; gnomAD 0.05754 and 0.06186; 1000 Genomes Project 0.06470; TOPMed 0.06503; 1000 Genomes Project 30x 0.06715; ESP Exome Variant Server 0.06997.
gnomAD v4.1: 17,314 of 1,589,766 alleles (1.1%); highest among the groups gnomAD compares: African/African-American, 20%; 1,638 homozygotes.

Submissions (3):

Labcorp Genetics (formerly Invitae), Labcorp
Classification: Benign. Last evaluated: 2026-02-02. Review status: criteria provided, single submitter. Criteria: Invitae Variant Classification Sherloc (09022015). Collection method: clinical testing. Allele origin: germline.

Breakthrough Genomics
Classification: Benign. Review status: criteria provided, single submitter. Criteria: ACMG Guidelines, 2015. Collection method: not provided. Allele origin: germline. Inheritance: Unknown mechanism. Affected: yes.

PreventionGenetics, part of Exact Sciences
Classification: Benign for IL12RB2-related condition. Last evaluated: 2019-05-02. Review status: no assertion criteria provided. Collection method: clinical testing. Allele origin: germline. Not counted in ClinVar's aggregate classification.
Comment: This variant is classified as benign based on ACMG/AMP sequence variant interpretation guidelines (Richards et al. 2015 PMID: 25741868, with internal and published modifications).